The following is an entry in ClinVar:

ClinVar aggregate classification (germline): Benign. Review status: criteria provided, multiple submitters, no conflicts (2 of 4 stars). 2 submissions from 2 submitters: Benign (2). Last evaluated 2018-06-16.

Allele frequency attached by ClinVar (database versions not stated): gnomAD exomes 0.13576; gnomAD 0.19991 and 0.19493; TOPMed 0.20712; 1000 Genomes Project 0.22444; 1000 Genomes Project 30x 0.22189.

Submissions (2):

GeneDx
Classification: Benign. Last evaluated: 2018-06-16. Review status: criteria provided, single submitter. Criteria: GeneDx Variant Classification (06012015). Collection method: clinical testing. Allele origin: germline. Affected: yes.
Comment: This variant is considered likely benign or benign based on one or more of the following criteria: it is a conservative change, it occurs at a poorly conserved position in the protein, it is predicted to be benign by multiple in silico algorithms, and/or has population frequency not consistent with disease.

Breakthrough Genomics
Classification: Benign. Review status: criteria provided, single submitter. Criteria: ACMG Guidelines, 2015. Collection method: not provided. Allele origin: germline. Inheritance: Autosomal recessive inheritance. Affected: yes.

NM_005262.2(GFER):c.-150G>A

Genes: GFER (growth factor, augmenter of liver regeneration; plus strand), LOC130058203 (ATAC-STARR-seq lymphoblastoid silent region 7014; plus strand). Cytogenetic location: 16p13.3.
Variant type: single nucleotide variant.
Coding change: c.-150G>A on transcript NM_005262.2; 150 bases upstream of the start codon, G replaced by A.
Genome position (GRCh38, 1-based): chr16:1,984,069, G>A. VCF-style: chr16-1984069-G-A. GRCh37 (hg19) VCF-style: chr16-2034070-G-A.
Identifiers: ClinVar variation 673702 (VCV000673702.4), dbSNP rs28578934, ClinGen allele CA14206814.